The following is an entry in ClinVar:

ClinVar aggregate classification (germline): Uncertain significance (1 of 4 stars; one submission).

Conditions:
Haim-Munk syndrome (HMS). Also called: COCHIN JEWISH DISORDER; KERATOSIS PALMOPLANTARIS WITH PERIODONTOPATHIA AND ONYCHOGRYPOSIS. Identifiers: Orphanet 2342, MedGen C1855627, MONDO:0009491, OMIM 245010.
Periodontitis, aggressive. Identifiers: MedGen C0031106, MONDO:0980757.
Papillon-Lefèvre syndrome (PALS). Also called: Papillon-Lefevre Disease; KERATOSIS PALMOPLANTARIS WITH PERIODONTOPATHIA. Identifiers: Orphanet 678, MedGen C0030360, MONDO:0009490, OMIM 245000.

Allele frequency attached by ClinVar (database versions not stated): gnomAD exomes below 0.00001.
gnomAD v4.1: 2 of 1,614,058 alleles (0.00012%); highest among the groups gnomAD compares: Non-Finnish European, 0.00017%; no homozygotes.

Submission:

Labcorp Genetics (formerly Invitae), Labcorp
Classification: Uncertain significance for Haim-Munk syndrome; Periodontitis, aggressive; Papillon-Lefèvre syndrome. Last evaluated: 2022-09-06. Review status: criteria provided, single submitter. Criteria: Invitae Variant Classification Sherloc (09022015). Collection method: clinical testing. Allele origin: germline.
Comment: This variant has not been reported in the literature in individuals affected with CTSC-related conditions. In summary, the available evidence is currently insufficient to determine the role of this variant in disease. Therefore, it has been classified as a Variant of Uncertain Significance. Algorithms developed to predict the effect of missense changes on protein structure and function are either unavailable or do not agree on the potential impact of this missense change (SIFT: "Not Available"; PolyPhen-2: "Possibly Damaging"; Align-GVGD: "Not Available"). ClinVar contains an entry for this variant (Variation ID: 943207). This variant is not present in population databases (gnomAD no frequency). This sequence change replaces alanine, which is neutral and non-polar, with threonine, which is neutral and polar, at codon 307 of the CTSC protein (p.Ala307Thr).

NM_001814.6(CTSC):c.919G>A (p.Ala307Thr)

Gene: CTSC (cathepsin C; minus strand). Cytogenetic location: 11q14.2.
Variant type: single nucleotide variant.
Coding change: c.919G>A on transcript NM_001814.6 (MANE Select); coding-DNA position 919, G replaced by A.
Protein change: p.Ala307Thr; replaces alanine 307 with threonine.
Molecular consequence: missense variant.
Genome position (GRCh38, 1-based): chr11:88,294,479, C>T on the plus strand (G>A on the coding strand, the complement: CTSC is on the minus strand). VCF-style: chr11-88294479-C-T. GRCh37 (hg19) VCF-style: chr11-88027647-C-T.
Other names: short protein forms A307T.
Identifiers: ClinVar variation 943207 (VCV000943207.7), dbSNP rs548013321, ClinGen allele CA382022281.
Genomic context (GRCh38, chr11:88,294,479, plus strand): 5'-TGCCTGTGTAGGGGAAGCAAGCTTCTTCCACCAGCCCAAAATCTTGGGCGTACTTTCCTG[C>T]AATAAGGTATGGGAAGCCGCCTTCACAGCCTGAAGATGAATAACACACATGGTTACCCCT-3'
Protein context (NP_001805.4, residues 297-317): GCEGGFPYLI[Ala307Thr]GKYAQDFGLV